The following is an entry in ClinVar:

ClinVar aggregate classification (germline): Uncertain significance (1 of 4 stars; one submission).

Submission:

GeneDx
Classification: Uncertain significance. Last evaluated: 2024-05-17. Review status: criteria provided, single submitter. Criteria: GeneDx Variant Classification Process June 2021. Collection method: clinical testing. Allele origin: germline. Affected: yes.
Comment: Not observed at significant frequency in large population cohorts (gnomAD); Canonical splice site variant expected to result in aberrant splicing, although in the absence of functional evidence the actual effect of this sequence change is unknown.; Has not been previously published as pathogenic or benign to our knowledge; Reported using an alternate transcript of the gene

NM_001378452.1(ITPR1):c.5104-1G>A

Gene: ITPR1 (inositol 1,4,5-trisphosphate receptor type 1; plus strand). Cytogenetic location: 3p26.1.
Variant type: single nucleotide variant.
Coding change: c.5104-1G>A on transcript NM_001378452.1 (MANE Select); the canonical splice acceptor site of the intron before coding-DNA position 5104, G replaced by A.
Molecular consequence: splice acceptor variant. On other transcripts: intron variant (2).
Genome position (GRCh38, 1-based): chr3:4,717,366, G>A. VCF-style: chr3-4717366-G-A. GRCh37 (hg19) VCF-style: chr3-4759050-G-A.
Other names: c.5076+5498G>A (NM_001099952.4); c.5059-1G>A (NM_001168272.2); c.5031+5498G>A (NM_002222.7).
Identifiers: ClinVar variation 1695443 (VCV001695443.3), dbSNP rs2125292916, ClinGen allele CA351637460.